The following is an entry in ClinVar:

ClinVar aggregate classification (germline): Likely benign. Review status: criteria provided, single submitter (1 of 4 stars). 2 submissions from 2 submitters: Likely benign (1). 1 of the submissions does not count toward it. Last evaluated 2024-11-06.

Conditions:
BLTP1-related disorder. Also called: BLTP1-related condition.

Allele frequency attached by ClinVar (database versions not stated): gnomAD exomes 0.00006; ExAC 0.00010; ESP Exome Variant Server 0.00017; gnomAD 0.00026; TOPMed 0.00034; 1000 Genomes Project 0.00040; 1000 Genomes Project 30x 0.00047.
gnomAD v4.1: 141 of 1,614,202 alleles (0.0087%); highest among the groups gnomAD compares: African/African-American, 0.061%; no homozygotes.

Submissions (2):

Blueprint Genetics
Classification: Likely benign. Last evaluated: 2024-11-06. Review status: criteria provided, single submitter. Criteria: ACMG Guidelines, 2015. Collection method: clinical testing. Allele origin: germline.

PreventionGenetics, part of Exact Sciences
Classification: Likely benign for BLTP1-related condition. Last evaluated: 2021-10-04. Review status: no assertion criteria provided. Collection method: clinical testing. Allele origin: germline. Not counted in ClinVar's aggregate classification.
Comment: This variant is classified as likely benign based on ACMG/AMP sequence variant interpretation guidelines (Richards et al. 2015 PMID: 25741868, with internal and published modifications).

NM_001384125.1(BLTP1):c.3180A>C (p.Ala1060=)

Gene: BLTP1 (bridge-like lipid transfer protein family member 1; plus strand). Cytogenetic location: 4q27.
Variant type: single nucleotide variant.
Coding change: c.3180A>C on transcript NM_001384125.1 (MANE Select); coding-DNA position 3180, A replaced by C.
Protein change: p.Ala1060=; no amino-acid change (alanine 1060 retained).
Molecular consequence: synonymous variant.
Genome position (GRCh38, 1-based): chr4:122,230,068, A>C. VCF-style: chr4-122230068-A-C. GRCh37 (hg19) VCF-style: chr4-123151223-A-C.
Other names: c.3180A>C, p.Ala1060= (NM_015312.4).
Identifiers: ClinVar variation 3047067 (VCV003047067.3), dbSNP rs371248477, ClinGen allele CA3066085.